The following is an entry in ClinVar:

NM_002187.3(IL12B):c.130G>T (p.Glu44Ter)

Gene: IL12B (interleukin 12B; minus strand). Cytogenetic location: 5q33.3.
Variant type: single nucleotide variant.
Coding change: c.130G>T on transcript NM_002187.3 (MANE Select); coding-DNA position 130, G replaced by T.
Protein change: p.Glu44Ter; replaces glutamic acid 44 with a stop codon.
Molecular consequence: nonsense.
Genome position (GRCh38, 1-based): chr5:159,323,288, C>A on the plus strand (G>T on the coding strand, the complement: IL12B is on the minus strand). VCF-style: chr5-159323288-C-A. GRCh37 (hg19) VCF-style: chr5-158750296-C-A.
Other names: short protein forms E44*.
Identifiers: ClinVar variation 4734468 (VCV004734468.1).

ClinVar aggregate classification (germline): Pathogenic (1 of 4 stars; one submission).

Conditions:
Mendelian susceptibility to mycobacterial diseases due to complete IL12B deficiency. Also called: Immunodeficiency 29; IL12B DEFICIENCY. Identifiers: Orphanet 319558, MedGen C4013948, MONDO:0013954, OMIM 614890.

Submission:

Labcorp Genetics (formerly Invitae), Labcorp
Classification: Pathogenic for Mendelian susceptibility to mycobacterial diseases due to complete IL12B deficiency. Last evaluated: 2026-01-18. Review status: criteria provided, single submitter. Criteria: Invitae Variant Classification Sherloc (09022015). Collection method: clinical testing. Allele origin: germline.
Comment: This sequence change creates a premature translational stop signal (p.Glu44*) in the IL12B gene. It is expected to result in an absent or disrupted protein product. Loss-of-function variants in IL12B are known to be pathogenic (PMID: 11753820, 23429356). This variant is not present in population databases (gnomAD no frequency). This variant has not been reported in the literature in individuals affected with IL12B-related conditions. For these reasons, this variant has been classified as Pathogenic.

Literature cited by the submitters: PubMed 11753820; PubMed 23429356.